The following is an entry in ClinVar:

NM_000455.5(STK11):c.1037G>A (p.Gly346Asp)

Genes: STK11 (serine/threonine kinase 11; plus strand), LOC130062899 (ATAC-STARR-seq lymphoblastoid active region 13597; plus strand). Cytogenetic location: 19p13.3.
Variant type: single nucleotide variant.
Coding change: c.1037G>A on transcript NM_000455.5 (MANE Select); coding-DNA position 1037, G replaced by A.
Protein change: p.Gly346Asp; replaces glycine 346 with aspartic acid.
Molecular consequence: missense variant. On other transcripts: non-coding transcript variant (1).
Genome position (GRCh38, 1-based): chr19:1,223,101, G>A. VCF-style: chr19-1223101-G-A. GRCh37 (hg19) VCF-style: chr19-1223100-G-A.
Other names: c.1037G>A, p.Gly346Asp (NM_001407255.1); short protein forms G346D.
Identifiers: ClinVar variation 2786794 (VCV002786794.3), dbSNP rs2145431154, ClinGen allele CA402951787.
Genomic context (GRCh38, chr19:1,223,101, plus strand): 5'-CAGACACCAAGGACCGGTGGCGCAGCATGACTGTGGTGCCGTACTTGGAGGACCTGCACG[G>A]CGCGGACGAGGACGAGGACCTCTTCGACATCGAGGATGACATCATCTACACTCAGGACTT-3'
Protein context (NP_000446.1, residues 336-356): TVVPYLEDLH[Gly346Asp]ADEDEDLFDI

ClinVar aggregate classification (germline): Uncertain significance (1 of 4 stars; one submission).

Conditions:
Peutz-Jeghers syndrome (PJS). Also called: POLYPOSIS, HAMARTOMATOUS INTESTINAL; POLYPS-AND-SPOTS SYNDROME; Peutz-Jeghers polyposis; Periorificial lentiginosis syndrome. Identifiers: Orphanet 2869, MedGen C0031269, MeSH D010580, MONDO:0008280, OMIM 175200.

Submission:

Labcorp Genetics (formerly Invitae), Labcorp
Classification: Uncertain significance for Peutz-Jeghers syndrome. Last evaluated: 2022-11-09. Review status: criteria provided, single submitter. Criteria: Invitae Variant Classification Sherloc (09022015). Collection method: clinical testing. Allele origin: germline.
Comment: In summary, the available evidence is currently insufficient to determine the role of this variant in disease. Therefore, it has been classified as a Variant of Uncertain Significance. Advanced modeling of protein sequence and biophysical properties (such as structural, functional, and spatial information, amino acid conservation, physicochemical variation, residue mobility, and thermodynamic stability) performed at Invitae indicates that this missense variant is not expected to disrupt STK11 protein function. This variant has not been reported in the literature in individuals affected with STK11-related conditions. This variant is not present in population databases (gnomAD no frequency). This sequence change replaces glycine, which is neutral and non-polar, with aspartic acid, which is acidic and polar, at codon 346 of the STK11 protein (p.Gly346Asp).